The following is an entry in ClinVar:

NM_000153.4(GALC):c.1004A>G (p.Tyr335Cys)

Gene: GALC (galactosylceramidase; minus strand). Cytogenetic location: 14q31.3.
Variant type: single nucleotide variant.
Coding change: c.1004A>G on transcript NM_000153.4 (MANE Select); coding-DNA position 1004, A replaced by G.
Protein change: p.Tyr335Cys; replaces tyrosine 335 with cysteine.
Molecular consequence: missense variant.
Genome position (GRCh38, 1-based): chr14:87,965,534, T>C on the plus strand (A>G on the coding strand, the complement: GALC is on the minus strand). VCF-style: chr14-87965534-T-C. GRCh37 (hg19) VCF-style: chr14-88431878-T-C.
Other names: c.935A>G, p.Tyr312Cys (NM_001201401.2); c.926A>G, p.Tyr309Cys (NM_001201402.2); short protein forms Y312C, Y309C, Y335C.
Identifiers: ClinVar variation 651170 (VCV000651170.18), dbSNP rs757407613, ClinGen allele CA7297183.

ClinVar aggregate classification (germline): Pathogenic. Review status: criteria provided, multiple submitters, no conflicts (2 of 4 stars). 3 submissions from 3 submitters: Pathogenic (3). Last evaluated 2026-10-01.

Conditions:
Galactosylceramide beta-galactosidase deficiency. Also called: Krabbe Disease; GALACTOCEREBROSIDASE DEFICIENCY; GALC DEFICIENCY; GLOBOID CELL LEUKOENCEPHALOPATHY; Leukodystrophy, Globoid Cell. Identifiers: Orphanet 487, MedGen C0023521, MONDO:0009499, OMIM 245200.

Allele frequency attached by ClinVar (database versions not stated): gnomAD 0.00001; gnomAD exomes 0.00001 and below 0.00001; ExAC 0.00002; TOPMed below 0.00001.
gnomAD v4.1: 7 of 1,613,386 alleles (0.00043%); highest among the groups gnomAD compares: South Asian, 0.0022%; no homozygotes.

Submissions (3):

GeneDx
Classification: Pathogenic. Last evaluated: 2026-10-01. Review status: criteria provided, single submitter. Criteria: GeneDx Variant Classification Process June 2021. Collection method: clinical testing. Allele origin: germline.
Comment: Published functional studies found this variant is associated with significantly reduced GALC activity (PMID: 10234611, 27638593); In silico analysis supports that this missense variant has a deleterious effect on protein structure/function; Also known as p.(Y319C); Not observed at significant frequency in large population cohorts (gnomAD); This variant is associated with the following publications: (PMID: 27126738, 10234611, 32089546, 27638593, 22115770)

Natera, Inc.
Classification: Pathogenic for Galactosylceramide beta-galactosidase deficiency. Last evaluated: 2025-05-13. Review status: criteria provided, single submitter. Criteria: Natera Variant Classification Schema (03/2026). Collection method: clinical testing. Allele origin: germline.
Comment: The c.1004A>G variant in GALC is a missense variant predicted to cause substitution of tyrosine to cysteine at amino acid 335. This variant is rare in the general population with a frequency below the threshold expected for the associated phenotype(s). This variant has been observed in one or more individuals affected with the associated recessive disease, as either homozygous or compound heterozygous with a second variant (PMID: 10234611, 30777126). Functional studies show that this variant may disrupt protein function (PMID: 10234611). Computational prediction algorithms indicate this variant is likely to affect gene or protein function. Given the available evidence, this variant is classified as Pathogenic.

Labcorp Genetics (formerly Invitae), Labcorp
Classification: Pathogenic for Galactosylceramide beta-galactosidase deficiency. Last evaluated: 2023-07-06. Review status: criteria provided, single submitter. Criteria: Invitae Variant Classification Sherloc (09022015). Collection method: clinical testing. Allele origin: germline.
Comment: For these reasons, this variant has been classified as Pathogenic. Experimental studies have shown that this missense change affects GALC function (PMID: 10234611, 27126738, 27638593). Advanced modeling of protein sequence and biophysical properties (such as structural, functional, and spatial information, amino acid conservation, physicochemical variation, residue mobility, and thermodynamic stability) performed at Invitae indicates that this missense variant is expected to disrupt GALC protein function. ClinVar contains an entry for this variant (Variation ID: 651170). This missense change has been observed in individual(s) with infantile Krabbe disease (PMID: 10234611, 22115770). In at least one individual the data is consistent with being in trans (on the opposite chromosome) from a pathogenic variant. This variant is present in population databases (rs757407613, gnomAD 0.003%). This sequence change replaces tyrosine, which is neutral and polar, with cysteine, which is neutral and slightly polar, at codon 335 of the GALC protein (p.Tyr335Cys).

Literature cited by the submitters: PubMed 10234611 (cited by Natera, Inc. and Labcorp Genetics (formerly Invitae), Labcorp); PubMed 30777126 (cited by Natera, Inc.); PubMed 27126738 (cited by Labcorp Genetics (formerly Invitae), Labcorp); PubMed 27638593 (cited by Labcorp Genetics (formerly Invitae), Labcorp); PubMed 22115770 (cited by Labcorp Genetics (formerly Invitae), Labcorp).